The following is an entry in ClinVar:

ClinVar aggregate classification (germline): Uncertain significance (1 of 4 stars; one submission).

gnomAD v4.1: 1 of 1,600,536 alleles (0.000062%); highest among the groups gnomAD compares: African/African-American, 0.0014%; no homozygotes.

Submission:

Labcorp Genetics (formerly Invitae), Labcorp
Classification: Uncertain significance. Last evaluated: 2025-02-25. Review status: criteria provided, single submitter. Criteria: Invitae Variant Classification Sherloc (09022015). Collection method: clinical testing. Allele origin: germline.
Comment: This sequence change replaces arginine, which is basic and polar, with serine, which is neutral and polar, at codon 1346 of the FBN3 protein (p.Arg1346Ser). This variant is not present in population databases (gnomAD no frequency). This variant has not been reported in the literature in individuals affected with FBN3-related conditions. Invitae Evidence Modeling of protein sequence and biophysical properties (such as structural, functional, and spatial information, amino acid conservation, physicochemical variation, residue mobility, and thermodynamic stability) indicates that this missense variant is expected to disrupt FBN3 protein function with a positive predictive value of 80%. Algorithms developed to predict the effect of sequence changes on RNA splicing suggest that this variant may create or strengthen a splice site. In summary, the available evidence is currently insufficient to determine the role of this variant in disease. Therefore, it has been classified as a Variant of Uncertain Significance.

NM_032447.5(FBN3):c.4036C>A (p.Arg1346Ser)

Gene: FBN3 (fibrillin 3; minus strand). Cytogenetic location: 19p13.2.
Variant type: single nucleotide variant.
Coding change: c.4036C>A on transcript NM_032447.5 (MANE Select); coding-DNA position 4036, C replaced by A.
Protein change: p.Arg1346Ser; replaces arginine 1346 with serine.
Molecular consequence: missense variant.
Genome position (GRCh38, 1-based): chr19:8,111,696, G>T on the plus strand (C>A on the coding strand, the complement: FBN3 is on the minus strand). VCF-style: chr19-8111696-G-T. GRCh37 (hg19) VCF-style: chr19-8176580-G-T.
Other names: c.4036C>A, p.Arg1346Ser (NM_001321431.2); short protein forms R1346S.
Identifiers: ClinVar variation 4781231 (VCV004781231.1).